The following is an entry in ClinVar:

NC_000007.13:g.(?_6036937)_(6098714_?)dup

Genes: AIMP2 (aminoacyl tRNA synthetase complex interacting multifunctional protein 2; plus strand), EIF2AK1 (eukaryotic translation initiation factor 2 alpha kinase 1; minus strand), PMS2 (PMS1 homolog 2, mismatch repair system component; minus strand). Cytogenetic location: 7p22.1.
Variant type: Duplication.
Identifiers: ClinVar variation 2423250 (VCV002423250.4).

ClinVar aggregate classification (germline): Uncertain significance (1 of 4 stars; one submission).

Conditions:
Hereditary nonpolyposis colorectal neoplasms. Identifiers: MedGen C0009405, MeSH D003123.

Submission:

Labcorp Genetics (formerly Invitae), Labcorp
Classification: Uncertain significance for Hereditary nonpolyposis colorectal neoplasms. Last evaluated: 2022-01-16. Review status: criteria provided, single submitter. Criteria: Invitae Variant Classification Sherloc (09022015). Collection method: clinical testing. Allele origin: germline.
Comment: In summary, the available evidence is currently insufficient to determine the role of this variant in disease. Therefore, it has been classified as a Variant of Uncertain Significance. This variant has not been reported in the literature in individuals affected with PMS2-related conditions. This variant results in a copy number gain of the genomic region encompassing exon(s) 1-7 of the PMS2 gene. This region includes the initiator codon of the gene. This copy number gain extends beyond the assayed region for this gene and therefore may encompass additional genes. As the precise location of this event is unknown, it may be in tandem or it may be located elsewhere in the genome.